The following is an entry in ClinVar:

ClinVar aggregate classification (germline): Pathogenic/Likely pathogenic. Review status: criteria provided, multiple submitters, no conflicts (2 of 4 stars). 25 submissions from 25 submitters: Pathogenic (19); Likely pathogenic (3). 3 of the submissions do not count toward it. Last evaluated 2026-08-06.

Conditions:
Fetal anomalies with a likely genetic cause.
PMM2-related disorder. Also called: PMM2-related condition.
Inborn genetic diseases. Identifiers: MedGen C0950123, MeSH D030342.
PMM2-congenital disorder of glycosylation. Also called: CDG Ia; PHOSPHOMANNOMUTASE 2 DEFICIENCY; CARBOHYDRATE-DEFICIENT GLYCOPROTEIN SYNDROME, TYPE Ia; PMM2-CDG; JAEKEN SYNDROME; Congenital disorder of glycosylation, type Ia. Identifiers: Orphanet 79318, MedGen C0349653, MONDO:0008907, OMIM 212065.

Allele frequency attached by ClinVar (database versions not stated): TOPMed 0.00010; gnomAD 0.00015 and 0.00017.
gnomAD v4.1: 421 of 1,571,002 alleles (0.027%); highest among the groups gnomAD compares: Non-Finnish European, 0.032%; no homozygotes.

Submissions 1 to 10 of 25:

OLLIN Analises Genomicas, OLLIN
Classification: Pathogenic for PMM2-congenital disorder of glycosylation. Last evaluated: 2026-08-06. Review status: criteria provided, single submitter. Criteria: ACMG Guidelines 2015 PMID 25741868. Collection method: clinical testing. Allele origin: germline. Inheritance: Autosomal recessive inheritance.
Comment: This missense variant, located in exon 5 (of 8), has been reported in ClinVar (accession VCV000265255.49), in gnomAD with an allele frequency of 0.027%, and in the scientific literature, in compound heterozygosity, in individuals with PMM2 related disorders (PMID: 21541725, 26014514, 28807751, 22012410, 12705494). Functional studies suggest that this variant may affect protein function, and in silico analysis predicts a deleterious effect (PMID: 21541725, 26014514). This variant is located in a region considered to be a mutational hotspot. According to the currently available evidence, this variant has been classified as pathogenic (PS3_P, PM1, PM2_P, PM3_VS, PP3_S).

PreventionGenetics, part of Exact Sciences
Classification: Pathogenic for PMM2-related condition. Last evaluated: 2026-03-12. Review status: criteria provided, single submitter. Criteria: ACMG Guidelines, 2015. Collection method: clinical testing. Allele origin: germline.
Comment: The PMM2 c.368G>A variant is predicted to result in the amino acid substitution p.Arg123Gln. This variant has been reported in multiple individuals with congenital disorder of glycosylation 1a (see, for example, Matthijs et al. 1998. PubMed ID: 9497260; Vega et al. 2011. PubMed ID: 21541725; Casado et al. 2012. PubMed ID: 22012410; Vicario et al. 2017. PubMed ID: 28807751). In vitro function analysis indicates that this nucleotide change abolishes PMM2 enzyme activity (Vega et al. 2011. PubMed ID: 21541725; Yuste-Checa et al. 2015. PubMed ID: 26014514). This variant is reported in 0.019% of alleles in individuals of European (Non-Finnish) descent in gnomAD. This variant is interpreted as pathogenic.

Dasa
Classification: Pathogenic. Last evaluated: 2026-03-09. Review status: criteria provided, single submitter. Criteria: DASA Assertion Criteria. Collection method: clinical testing. Allele origin: germline.
Comment: NM_000303.3(PMM2):c.368G>A (p.Arg123Gln) is a missense variant that results in the substitution of arginine with glutamine. This variant has been observed in affected individuals with related phenotype in a genotype context consistent with recessive disease (PMID: 39923392; PMID: 22012410; PMID: 21541725; PMID: 15844218; PMID: 9497260). Functional evidence supports a deleterious effect on the gene or gene product (PMID: 39923392; PMID: 22012410; PMID: 21541725; PMID: 15844218; PMID: 9497260). This variant has been recurrently observed in individuals with related phenotype (PMID: 39923392; PMID: 22012410; PMID: 21541725; PMID: 15844218; PMID: 9497260). Multiple computational predictions support a deleterious effect on the gene or gene product. The variant is present at low frequency in population datasets. Based on the available data, this variant is classified as pathogenic.

Genetics Laboratory, Great Ormond Street Hospital NHS Foundation Trust, North Thames Genomic Laboratory Hub
Classification: Likely pathogenic for Fetal anomalies with a likely genetic cause. Last evaluated: 2026-02-28. Review status: criteria provided, single submitter. Criteria: ACGS Best Practice Guidelines for Variant Classification in Rare Disease 2024 v1.2. Collection method: clinical testing. Allele origin: germline. Affected: yes.
Comment: PM2_moderate, PP3_supporting, PS3_moderate, PM3_moderate

Labcorp Genetics (formerly Invitae), Labcorp
Classification: Pathogenic for PMM2-congenital disorder of glycosylation. Last evaluated: 2026-01-19. Review status: criteria provided, single submitter. Criteria: Invitae Variant Classification Sherloc (09022015). Collection method: clinical testing. Allele origin: germline.
Comment: This sequence change replaces arginine, which is basic and polar, with glutamine, which is neutral and polar, at codon 123 of the PMM2 protein (p.Arg123Gln). This variant is present in population databases (rs141498002, gnomAD 0.02%). This missense change has been observed in individual(s) with PMM2-CDG (PMID: 9497260, 15844218, 21541725, 22012410). In at least one individual the data is consistent with being in trans (on the opposite chromosome) from a pathogenic variant. ClinVar contains an entry for this variant (Variation ID: 265255). Invitae Evidence Modeling of protein sequence and biophysical properties (such as structural, functional, and spatial information, amino acid conservation, physicochemical variation, residue mobility, and thermodynamic stability) has been performed for this missense variant. However, the output from this modeling did not meet the statistical confidence thresholds required to predict the impact of this variant on PMM2 protein function. Experimental studies have shown that this missense change affects PMM2 function (PMID: 21541725, 26014514). For these reasons, this variant has been classified as Pathogenic.

Natera, Inc.
Classification: Pathogenic for Congenital disorder of glycosylation type 1a. Last evaluated: 2026-01-15. Review status: criteria provided, single submitter. Criteria: Natera Variant Classification Schema (03/2026). Collection method: clinical testing. Allele origin: germline.
Comment: The c.368G>A variant in PMM2 is a missense variant predicted to cause substitution of arginine to glutamine at amino acid 123. This variant is rare in the general population with a frequency below the threshold expected for the associated phenotype(s). This variant has been observed in one or more individuals affected with the associated recessive disease, as either homozygous or compound heterozygous with a second variant (PMID: 21541725). Computational prediction algorithms indicate this variant is likely to affect gene or protein function. Given the available evidence, this variant is classified as Pathogenic.

Variantyx, Inc.
Classification: Pathogenic for PMM2-congenital disorder of glycosylation. Last evaluated: 2025-07-28. Review status: criteria provided, single submitter. Criteria: Variantyx Assertion Criteria 2022. Collection method: clinical testing. Allele origin: germline. Inheritance: Autosomal recessive inheritance. Affected: no.
Comment: This is a nonsynonymous variant in the PMM2 gene (OMIM: 601785). Pathogenic variants in this gene have been associated with autosomal recessive congenital disorder of glycosylation type Ia. This variant has been identified in the homozygous or compound heterozygous state in multiple individuals reported in the published literature (PMID: 9497260, 15844218, 21541725, 22012410, 26014514, 35780510) (PM3_Strong). Functional studies have shown that this variant alters PMM2 protein function (PMID: 21541725, 26014514) (PS3_Moderate), and multiple computational algorithms predict a deleterious effect for this variant (REVEL score: 0.958) (PP3). Moreover, the variant lies within a known hotspot for pathogenic variants or a well-established critical functional domain of the PMM2 protein (PM1). It has a 0.0322% maximum allele frequency in non-founder control populations (PM2). Based on the current evidence, this variant is classified as pathogenic for autosomal recessive congenital disorder of glycosylation type Ia.

Laboratorio de Genetica e Diagnostico Molecular, Hospital Israelita Albert Einstein
Classification: Pathogenic for PMM2-congenital disorder of glycosylation. Last evaluated: 2025-04-01. Review status: criteria provided, single submitter. Criteria: ACMG Guidelines, 2015. Collection method: clinical testing. Allele origin: germline. Affected: yes.
Comment: ACMG classification criteria: PS3 supporting, PM3 very strong, PP3 supporting

Revvity Omics, Revvity
Classification: Pathogenic for PMM2-congenital disorder of glycosylation. Last evaluated: 2025-01-05. Review status: criteria provided, single submitter. Criteria: ACMG Guidelines, 2015. Collection method: clinical testing. Allele origin: germline.

3billion
Classification: Likely pathogenic for PMM2-congenital disorder of glycosylation. Last evaluated: 2024-12-30. Review status: criteria provided, single submitter. Criteria: ACMG Guidelines, 2015. Collection method: clinical testing. Allele origin: germline. Affected: yes.
Comment: The variant is observed at an extremely low frequency in the gnomAD v4.1.0 dataset (total allele frequency: 0.027%). Predicted Consequence/Location: Missense variant In silico tool predictions suggest damaging effect of the variant on gene or gene product [REVEL: 0.96 (>=0.6, sensitivity 0.68 and specificity 0.92); 3Cnet: 0.45 (>=0.6, sensitivity 0.72 and precision 0.9)]. The same nucleotide change resulting in the same amino acid change has been previously reported as pathogenic/likely pathogenic with strong evidence (ClinVar ID: VCV000265255 /PMID: 9497260). Therefore, this variant is classified as Likely pathogenic according to the recommendation of ACMG/AMP guideline.

NM_000303.3(PMM2):c.368G>A (p.Arg123Gln)

Gene: PMM2 (phosphomannomutase 2; plus strand). Cytogenetic location: 16p13.2.
Variant type: single nucleotide variant.
Coding change: c.368G>A on transcript NM_000303.3 (MANE Select); coding-DNA position 368, G replaced by A.
Protein change: p.Arg123Gln; replaces arginine 123 with glutamine.
Molecular consequence: missense variant.
Genome position (GRCh38, 1-based): chr16:8,811,099, G>A. VCF-style: chr16-8811099-G-A. GRCh37 (hg19) VCF-style: chr16-8904956-G-A.
Other names: short protein forms R123Q.
Identifiers: ClinVar variation 265255 (VCV000265255.53), dbSNP rs141498002, ClinGen allele CA7894040.